The following is an entry in ClinVar:

NM_005475.3(SH2B3):c.1360T>C (p.Cys454Arg)

Gene: SH2B3 (SH2B adaptor protein 3; plus strand). Cytogenetic location: 12q24.12.
Variant type: single nucleotide variant.
Coding change: c.1360T>C on transcript NM_005475.3 (MANE Select); coding-DNA position 1360, T replaced by C.
Protein change: p.Cys454Arg; replaces cysteine 454 with arginine.
Molecular consequence: missense variant.
Genome position (GRCh38, 1-based): chr12:111,447,779, T>C. VCF-style: chr12-111447779-T-C. GRCh37 (hg19) VCF-style: chr12-111885583-T-C.
Other names: c.754T>C, p.Cys252Arg (NM_001291424.1); short protein forms C454R, C252R.
Identifiers: ClinVar variation 3795089 (VCV003795089.1).

ClinVar aggregate classification (germline): Uncertain significance (1 of 4 stars; one submission).

Conditions:
Inborn genetic diseases. Identifiers: MedGen C0950123, MeSH D030342.

Submission:

Ambry Genetics
Classification: Uncertain significance for Inborn genetic diseases. Last evaluated: 2025-01-08. Review status: criteria provided, single submitter. Criteria: Ambry Variant Classification Scheme 2023. Collection method: clinical testing. Allele origin: germline.
Comment: The p.C454R variant (also known as c.1360T>C), located in coding exon 6 of the SH2B3 gene, results from a T to C substitution at nucleotide position 1360. The cysteine at codon 454 is replaced by arginine, an amino acid with highly dissimilar properties. This amino acid position is conserved. In addition, the in silico prediction for this alteration is inconclusive. Based on the available evidence, the clinical significance of this variant remains unclear.